The following is an entry in ClinVar:

NM_006231.4(POLE):c.5124C>G (p.Phe1708Leu)

Gene: POLE (DNA polymerase epsilon, catalytic subunit; minus strand). Cytogenetic location: 12q24.33.
Variant type: single nucleotide variant.
Coding change: c.5124C>G on transcript NM_006231.4 (MANE Select); coding-DNA position 5124, C replaced by G.
Protein change: p.Phe1708Leu; replaces phenylalanine 1708 with leucine.
Molecular consequence: missense variant.
Genome position (GRCh38, 1-based): chr12:132,642,226, G>C on the plus strand (C>G on the coding strand, the complement: POLE is on the minus strand). VCF-style: chr12-132642226-G-C. GRCh37 (hg19) VCF-style: chr12-133218812-G-C.
Other names: short protein forms F1708L.
Identifiers: ClinVar variation 962360 (VCV000962360.9), dbSNP rs114891564, ClinGen allele CA387376810.

ClinVar aggregate classification (germline): Uncertain significance (1 of 4 stars; one submission).

Submission:

Labcorp Genetics (formerly Invitae), Labcorp
Classification: Uncertain significance. Last evaluated: 2019-07-24. Review status: criteria provided, single submitter. Criteria: Invitae Variant Classification Sherloc (09022015). Collection method: clinical testing. Allele origin: germline.
Comment: In summary, the available evidence is currently insufficient to determine the role of this variant in disease. Therefore, it has been classified as a Variant of Uncertain Significance. Algorithms developed to predict the effect of missense changes on protein structure and function output the following: SIFT: "Tolerated"; PolyPhen-2: "Benign"; Align-GVGD: "Class C0". The leucine amino acid residue is found in multiple mammalian species, suggesting that this missense change does not adversely affect protein function. These predictions have not been confirmed by published functional studies and their clinical significance is uncertain. This variant has not been reported in the literature in individuals with POLE-related conditions. This variant is not present in population databases (ExAC no frequency). This sequence change replaces phenylalanine with leucine at codon 1708 of the POLE protein (p.Phe1708Leu). The phenylalanine residue is moderately conserved and there is a small physicochemical difference between phenylalanine and leucine.